The following is an entry in ClinVar:

ClinVar aggregate classification (germline): Uncertain significance (1 of 4 stars; one submission).

Allele frequency attached by ClinVar (database versions not stated): gnomAD exomes below 0.00001; ExAC 0.00001.
gnomAD v4.1: 1 of 1,614,188 alleles (0.000062%); highest among the groups gnomAD compares: Admixed American, 0.0017%; no homozygotes.

Submission:

Ambry Genetics
Classification: Uncertain significance. Last evaluated: 2022-02-16. Review status: criteria provided, single submitter. Criteria: Ambry Variant Classification Scheme 2023. Collection method: clinical testing. Allele origin: germline.
Comment: The p.A332T variant (also known as c.994G>A), located in coding exon 2 of the PALLD gene, results from a G to A substitution at nucleotide position 994. The alanine at codon 332 is replaced by threonine, an amino acid with similar properties. This amino acid position is conserved. In addition, this alteration is predicted to be tolerated by in silico analysis. Since supporting evidence is limited at this time, the clinical significance of this alteration remains unclear.

NM_001166108.2(PALLD):c.994G>A (p.Ala332Thr)

Gene: PALLD (palladin, cytoskeletal associated protein; plus strand). Cytogenetic location: 4q32.3.
Variant type: single nucleotide variant.
Coding change: c.994G>A on transcript NM_001166108.2 (MANE Select); coding-DNA position 994, G replaced by A.
Protein change: p.Ala332Thr; replaces alanine 332 with threonine.
Molecular consequence: missense variant. On other transcripts: 5 prime UTR variant (1).
Genome position (GRCh38, 1-based): chr4:168,668,275, G>A. VCF-style: chr4-168668275-G-A. GRCh37 (hg19) VCF-style: chr4-169589426-G-A.
Other names: c.-153G>A (NM_001166109.2); c.994G>A, p.Ala332Thr (NM_016081.4); short protein forms A332T.
Identifiers: ClinVar variation 1768698 (VCV001768698.2), dbSNP rs765528955, ClinGen allele CA3135487.